The following is an entry in ClinVar:

NM_000135.4(FANCA):c.1348G>A (p.Asp450Asn)

Gene: FANCA (FA complementation group A; minus strand). Cytogenetic location: 16q24.3.
Variant type: single nucleotide variant.
Coding change: c.1348G>A on transcript NM_000135.4 (MANE Select); coding-DNA position 1348, G replaced by A.
Protein change: p.Asp450Asn; replaces aspartic acid 450 with asparagine.
Molecular consequence: missense variant.
Genome position (GRCh38, 1-based): chr16:89,791,414, C>T on the plus strand (G>A on the coding strand, the complement: FANCA is on the minus strand). VCF-style: chr16-89791414-C-T. GRCh37 (hg19) VCF-style: chr16-89857822-C-T.
Other names: c.1348G>A, p.Asp450Asn (NM_001286167.3); c.1348G>A (NM_000135.3); short protein forms D450N.
Identifiers: ClinVar variation 851465 (VCV000851465.10), dbSNP rs1262122499, ClinGen allele CA397463667.

ClinVar aggregate classification (germline): Uncertain significance. Review status: criteria provided, multiple submitters, no conflicts (2 of 4 stars). 4 submissions from 4 submitters: Uncertain significance (3). 1 of the submissions does not count toward it. Last evaluated 2024-10-29.

Conditions:
Fanconi anemia complementation group A (FANCA). Also called: Fanconi anemia, group A; FANCA-Related Fanconi Anemia. Identifiers: Orphanet 84, MedGen C3469521, MONDO:0009215, OMIM 227650.
Fanconi anemia (FA). Also called: Fanconi's anemia. Identifiers: Orphanet 84, MedGen C0015625, MeSH D005199, MONDO:0019391.

Allele frequency attached by ClinVar (database versions not stated): gnomAD exomes below 0.00001; gnomAD 0.00001.
gnomAD v4.1: 37 of 1,613,912 alleles (0.0023%); highest among the groups gnomAD compares: Non-Finnish European, 0.0031%; no homozygotes.

Submissions (4):

GeneDx
Classification: Uncertain significance. Last evaluated: 2024-10-29. Review status: criteria provided, single submitter. Criteria: GeneDx Variant Classification Process June 2021. Collection method: clinical testing. Allele origin: germline. Affected: yes.
Comment: Not observed at significant frequency in large population cohorts (gnomAD); In silico analysis indicates that this missense variant does not alter protein structure/function; Has not been previously published as pathogenic or benign to our knowledge

Quest Diagnostics Nichols Institute San Juan Capistrano
Classification: Uncertain significance. Last evaluated: 2024-07-01. Review status: criteria provided, single submitter. Criteria: Quest Diagnostics criteria. Collection method: clinical testing. Allele origin: unknown.
Comment: The FANCA c.1348G>A (p.Asp450Asn) variant has not been reported in individuals with FANCA-related conditions in the published literature. The frequency of this variant in the general population, 0.000004 (1/250554 chromosomes (Genome Aggregation Database)), is uninformative in the assessment of its pathogenicity. Analysis of this variant using bioinformatics tools for the prediction of the effect of amino acid changes on protein structure and function yielded predictions that this variant is benign. Based on the available information, we are unable to determine the clinical significance of this variant.

Labcorp Genetics (formerly Invitae), Labcorp
Classification: Uncertain significance for Fanconi anemia. Last evaluated: 2022-02-20. Review status: criteria provided, single submitter. Criteria: Invitae Variant Classification Sherloc (09022015). Collection method: clinical testing. Allele origin: germline.
Comment: This sequence change replaces aspartic acid, which is acidic and polar, with asparagine, which is neutral and polar, at codon 450 of the FANCA protein (p.Asp450Asn). This variant is present in population databases (no rsID available, gnomAD 0.0009%). This variant has not been reported in the literature in individuals affected with FANCA-related conditions. ClinVar contains an entry for this variant (Variation ID: 851465). Algorithms developed to predict the effect of missense changes on protein structure and function are either unavailable or do not agree on the potential impact of this missense change (SIFT: "Deleterious"; PolyPhen-2: "Possibly Damaging"; Align-GVGD: "Class C0"). In summary, the available evidence is currently insufficient to determine the role of this variant in disease. Therefore, it has been classified as a Variant of Uncertain Significance.

Natera, Inc.
Classification: Uncertain significance for Fanconi anemia, group A. Last evaluated: 2020-09-16. Review status: no assertion criteria provided. Collection method: clinical testing. Allele origin: germline. Not counted in ClinVar's aggregate classification.